The following is an entry in ClinVar:

ClinVar aggregate classification (germline): Uncertain significance (1 of 4 stars; one submission).

Allele frequency attached by ClinVar (database versions not stated): gnomAD exomes below 0.00001; gnomAD 0.00001; TOPMed 0.00001.
gnomAD v4.1: 2 of 1,612,804 alleles (0.00012%); highest among the groups gnomAD compares: African/African-American, 0.0027%; no homozygotes.

Submission:

Labcorp Genetics (formerly Invitae), Labcorp
Classification: Uncertain significance. Last evaluated: 2022-10-05. Review status: criteria provided, single submitter. Criteria: Invitae Variant Classification Sherloc (09022015). Collection method: clinical testing. Allele origin: germline.
Comment: This sequence change replaces glutamic acid, which is acidic and polar, with lysine, which is basic and polar, at codon 1005 of the COL11A2 protein (p.Glu1005Lys). This variant is not present in population databases (gnomAD no frequency). This variant has not been reported in the literature in individuals affected with COL11A2-related conditions. Advanced modeling of protein sequence and biophysical properties (such as structural, functional, and spatial information, amino acid conservation, physicochemical variation, residue mobility, and thermodynamic stability) performed at Invitae indicates that this missense variant is not expected to disrupt COL11A2 protein function. Algorithms developed to predict the effect of sequence changes on RNA splicing suggest that this variant may disrupt the consensus splice site. In summary, the available evidence is currently insufficient to determine the role of this variant in disease. Therefore, it has been classified as a Variant of Uncertain Significance.

NM_080680.3(COL11A2):c.3013G>A (p.Glu1005Lys)

Gene: COL11A2 (collagen type XI alpha 2 chain; minus strand). Cytogenetic location: 6p21.32.
Variant type: single nucleotide variant.
Coding change: c.3013G>A on transcript NM_080680.3 (MANE Select); coding-DNA position 3013, G replaced by A.
Protein change: p.Glu1005Lys; replaces glutamic acid 1005 with lysine.
Molecular consequence: missense variant.
Genome position (GRCh38, 1-based): chr6:33,172,079, C>T on the plus strand (G>A on the coding strand, the complement: COL11A2 is on the minus strand). VCF-style: chr6-33172079-C-T. GRCh37 (hg19) VCF-style: chr6-33139856-C-T.
Other names: c.2692G>A, p.Glu898Lys (NM_080679.3); c.2755G>A, p.Glu919Lys (NM_080681.3); short protein forms E1005K, E898K, E919K.
Identifiers: ClinVar variation 2190964 (VCV002190964.4), dbSNP rs909899458, ClinGen allele CA137067682.